The following is an entry in ClinVar:

NM_000525.4(KCNJ11):c.53C>A (p.Ala18Glu)

Gene: KCNJ11 (potassium inwardly rectifying channel subfamily J member 11; minus strand). Cytogenetic location: 11p15.1.
Variant type: single nucleotide variant.
Coding change: c.53C>A on transcript NM_000525.4 (MANE Select); coding-DNA position 53, C replaced by A.
Protein change: p.Ala18Glu; replaces alanine 18 with glutamic acid.
Molecular consequence: missense variant. On other transcripts: 5 prime UTR variant (1), intron variant (2).
Genome position (GRCh38, 1-based): chr11:17,388,039, G>T on the plus strand (C>A on the coding strand, the complement: KCNJ11 is on the minus strand). VCF-style: chr11-17388039-G-T. GRCh37 (hg19) VCF-style: chr11-17409586-G-T.
Other names: c.-38C>A (NM_001377296.1); c.-16-193C>A (NM_001166290.2, NM_001377297.1); short protein forms A18E.
Identifiers: ClinVar variation 1716102 (VCV001716102.5), dbSNP rs41309072, ClinGen allele CA379777497.

ClinVar aggregate classification (germline): Uncertain significance (1 of 4 stars; one submission).

Submission:

Labcorp Genetics (formerly Invitae), Labcorp
Classification: Uncertain significance. Last evaluated: 2022-09-04. Review status: criteria provided, single submitter. Criteria: Invitae Variant Classification Sherloc (09022015). Collection method: clinical testing. Allele origin: germline.
Comment: In summary, the available evidence is currently insufficient to determine the role of this variant in disease. Therefore, it has been classified as a Variant of Uncertain Significance. Algorithms developed to predict the effect of missense changes on protein structure and function are either unavailable or do not agree on the potential impact of this missense change (SIFT: "Deleterious"; PolyPhen-2: "Possibly Damaging"; Align-GVGD: "Class C0"). This variant has not been reported in the literature in individuals affected with KCNJ11-related conditions. This variant is not present in population databases (gnomAD no frequency). This sequence change replaces alanine, which is neutral and non-polar, with glutamic acid, which is acidic and polar, at codon 18 of the KCNJ11 protein (p.Ala18Glu).